The following is an entry in ClinVar:

ClinVar aggregate classification (germline): Uncertain significance. Review status: criteria provided, multiple submitters, no conflicts (2 of 4 stars). 2 submissions from 2 submitters: Uncertain significance (2). Last evaluated 2024-01-11.

Conditions:
Bloom syndrome (BLM). Also called: Bloom-Torre-Machacek syndrome. Identifiers: Orphanet 125, MedGen C0005859, MONDO:0008876, OMIM 210900.
Hereditary cancer-predisposing syndrome. Also called: Neoplastic Syndromes, Hereditary; Tumor predisposition; Hereditary neoplastic syndrome; Hereditary Cancer Syndrome. Identifiers: Orphanet 140162, MedGen C0027672, MeSH D009386, MONDO:0015356.

Submissions (2):

Ambry Genetics
Classification: Uncertain significance for Hereditary cancer-predisposing syndrome. Last evaluated: 2024-01-11. Review status: criteria provided, single submitter. Criteria: Ambry Variant Classification Scheme 2023. Collection method: clinical testing. Allele origin: germline.
Comment: The p.K1216T variant (also known as c.3647A>C), located in coding exon 18 of the BLM gene, results from an A to C substitution at nucleotide position 3647. The lysine at codon 1216 is replaced by threonine, an amino acid with similar properties. This amino acid position is well conserved in available vertebrate species. In addition, this alteration is predicted to be tolerated by in silico analysis. Since supporting evidence is limited at this time, the clinical significance of this alteration remains unclear.

Labcorp Genetics (formerly Invitae), Labcorp
Classification: Uncertain significance for Bloom syndrome. Last evaluated: 2021-07-09. Review status: criteria provided, single submitter. Criteria: Invitae Variant Classification Sherloc (09022015). Collection method: clinical testing. Allele origin: germline.
Comment: In summary, the available evidence is currently insufficient to determine the role of this variant in disease. Therefore, it has been classified as a Variant of Uncertain Significance. Algorithms developed to predict the effect of missense changes on protein structure and function are either unavailable or do not agree on the potential impact of this missense change (SIFT: "Tolerated"; PolyPhen-2: "Possibly Damaging"; Align-GVGD: "Class C0"). ClinVar contains an entry for this variant (Variation ID: 824027). This variant has not been reported in the literature in individuals affected with BLM-related conditions. This variant is not present in population databases (ExAC no frequency). This sequence change replaces lysine with threonine at codon 1216 of the BLM protein (p.Lys1216Thr). The lysine residue is moderately conserved and there is a moderate physicochemical difference between lysine and threonine.

NM_000057.4(BLM):c.3647A>C (p.Lys1216Thr)

Gene: BLM (BLM RecQ like helicase; plus strand). Cytogenetic location: 15q26.1.
Variant type: single nucleotide variant.
Coding change: c.3647A>C on transcript NM_000057.4 (MANE Select); coding-DNA position 3647, A replaced by C.
Protein change: p.Lys1216Thr; replaces lysine 1216 with threonine.
Molecular consequence: missense variant. On other transcripts: intron variant (1).
Genome position (GRCh38, 1-based): chr15:90,804,255, A>C. VCF-style: chr15-90804255-A-C. GRCh37 (hg19) VCF-style: chr15-91347485-A-C.
Other names: c.3647A>C, p.Lys1216Thr (NM_001287246.2); c.2522A>C, p.Lys841Thr (NM_001287248.2); c.3359-4882A>C (NM_001287247.2); short protein forms K1216T, K841T.
Identifiers: ClinVar variation 824027 (VCV000824027.12), dbSNP rs748798772, ClinGen allele CA393848078.